The following is an entry in ClinVar:

NM_004168.4(SDHA):c.1775A>G (p.His592Arg)

Gene: SDHA (succinate dehydrogenase complex flavoprotein subunit A; plus strand). Cytogenetic location: 5p15.33.
Variant type: single nucleotide variant.
Coding change: c.1775A>G on transcript NM_004168.4 (MANE Select); coding-DNA position 1775, A replaced by G.
Protein change: p.His592Arg; replaces histidine 592 with arginine.
Molecular consequence: missense variant. On other transcripts: intron variant (1).
Genome position (GRCh38, 1-based): chr5:251,449, A>G. VCF-style: chr5-251449-A-G. GRCh37 (hg19) VCF-style: chr5-251564-A-G.
Other names: c.1631A>G, p.His544Arg (NM_001294332.2); c.1552-2944A>G (NM_001330758.2); short protein forms H592R, H544R.
Identifiers: ClinVar variation 472357 (VCV000472357.11), dbSNP rs1554001966, ClinGen allele CA359000386.

ClinVar aggregate classification (germline): Conflicting classifications of pathogenicity. Review status: criteria provided, conflicting classifications (1 of 4 stars). 3 submissions from 3 submitters: Pathogenic (1); Uncertain significance (2). Last evaluated 2026-02-12.

Conditions:
Mitochondrial complex II deficiency, nuclear type 1. Also called: SUCCINATE CoQ REDUCTASE DEFICIENCY. Identifiers: Orphanet 3208, MedGen C5700310, MONDO:0100294, OMIM 252011.
Pheochromocytoma/paraganglioma syndrome 5. Also called: Paragangliomas 5; SDHA-Related Hereditary Paraganglioma-Pheochromocytoma Syndrome. Identifiers: Orphanet 29072, MedGen C3279992, MONDO:0013602, OMIM 614165.
Dilated cardiomyopathy 1GG (CMD1GG). Identifiers: Orphanet 154, MedGen C3150898, MONDO:0013339, OMIM 613642.
Hereditary cancer-predisposing syndrome. Also called: Neoplastic Syndromes, Hereditary; Hereditary Cancer Syndrome; Hereditary neoplastic syndrome; Tumor predisposition. Identifiers: Orphanet 140162, MedGen C0027672, MeSH D009386, MONDO:0015356.

gnomAD v4.1: 5 of 1,613,988 alleles (0.00031%); highest among the groups gnomAD compares: Non-Finnish European, 0.00042%; no homozygotes.

Submissions (3):

Ambry Genetics
Classification: Pathogenic for Hereditary cancer-predisposing syndrome. Last evaluated: 2026-02-12. Review status: criteria provided, single submitter. Criteria: Ambry Variant Classification Scheme 2023. Collection method: clinical testing. Allele origin: germline.
Comment: The p.H592R pathogenic mutation (also known as c.1775A>G), located in coding exon 13 of the SDHA gene, results from an A to G substitution at nucleotide position 1775. The histidine at codon 592 is replaced by arginine, an amino acid with highly similar properties. This variant was reported in individual(s) with features consistent with SDHA-related hereditary pheochromocytoma-paraganglioma (Ben Aim L et al. J Med Genet, 2019 Aug;56:513-520; Ambry internal data). In an assay testing SDHA function, this variant showed a functionally abnormal result (Kent JD et al. Clin Cancer Res, 2024 Dec;30:5399-5412). This amino acid position is highly conserved in available vertebrate species. In addition, this alteration is predicted to be deleterious by in silico analysis. This variant is considered to be rare based on population cohorts in the Genome Aggregation Database (gnomAD). Based on the supporting evidence, this variant is interpreted as a disease-causing mutation.

Labcorp Genetics (formerly Invitae), Labcorp
Classification: Uncertain significance for Pheochromocytoma/paraganglioma syndrome 5; Mitochondrial complex II deficiency, nuclear type 1. Last evaluated: 2025-11-24. Review status: criteria provided, single submitter. Criteria: Invitae Variant Classification Sherloc (09022015). Collection method: clinical testing. Allele origin: germline.
Comment: This sequence change replaces histidine, which is basic and polar, with arginine, which is basic and polar, at codon 592 of the SDHA protein (p.His592Arg). This variant is not present in population databases (gnomAD no frequency). This missense change has been observed in individual(s) with paraganglioma-pheochromocytoma syndromes (PMID: 30877234). ClinVar contains an entry for this variant (Variation ID: 472357). Invitae Evidence Modeling of protein sequence and biophysical properties (such as structural, functional, and spatial information, amino acid conservation, physicochemical variation, residue mobility, and thermodynamic stability) has been performed for this missense variant. However, the output from this modeling did not meet the statistical confidence thresholds required to predict the impact of this variant on SDHA protein function. Experimental studies have shown that this missense change affects SDHA function (PMID: 39321216). In summary, the available evidence is currently insufficient to determine the role of this variant in disease. Therefore, it has been classified as a Variant of Uncertain Significance.

Baylor Genetics
Classification: Uncertain significance for Dilated cardiomyopathy 1GG. Last evaluated: 2023-12-18. Review status: criteria provided, single submitter. Criteria: ACMG Guidelines, 2015. Collection method: clinical testing. Allele origin: unknown.

Literature cited by the submitters: PubMed 30877234 (cited by Ambry Genetics and Labcorp Genetics (formerly Invitae), Labcorp); PubMed 39321216 (cited by Ambry Genetics and Labcorp Genetics (formerly Invitae), Labcorp).